The following is an entry in ClinVar:

ClinVar aggregate classification (germline): Uncertain significance (1 of 4 stars; one submission).

Allele frequency attached by ClinVar (database versions not stated): gnomAD exomes below 0.00001.
gnomAD v4.1: 2 of 1,614,160 alleles (0.00012%); highest among the groups gnomAD compares: South Asian, 0.0022%; no homozygotes.

Submission:

Ambry Genetics
Classification: Uncertain significance. Last evaluated: 2022-05-01. Review status: criteria provided, single submitter. Criteria: Ambry Variant Classification Scheme 2023. Collection method: clinical testing. Allele origin: germline.
Comment: The p.T1426I variant (also known as c.4277C>T), located in coding exon 4 of the ALPK2 gene, results from a C to T substitution at nucleotide position 4277. The threonine at codon 1426 is replaced by isoleucine, an amino acid with similar properties. This amino acid position is conserved. In addition, this alteration is predicted to be tolerated by in silico analysis. Since supporting evidence is limited at this time, the clinical significance of this alteration remains unclear.

NM_052947.4(ALPK2):c.4277C>T (p.Thr1426Ile)

Genes: ALPK2 (alpha kinase 2; minus strand), LOC126862764 (BRD4-independent group 4 enhancer GRCh37_chr18:56202574-56203773; plus strand). Cytogenetic location: 18q21.31.
Variant type: single nucleotide variant.
Coding change: c.4277C>T on transcript NM_052947.4 (MANE Select); coding-DNA position 4277, C replaced by T.
Protein change: p.Thr1426Ile; replaces threonine 1426 with isoleucine.
Molecular consequence: missense variant.
Genome position (GRCh38, 1-based): chr18:58,535,910, G>A on the plus strand (C>T on the coding strand, the complement: ALPK2 is on the minus strand). VCF-style: chr18-58535910-G-A. GRCh37 (hg19) VCF-style: chr18-56203142-G-A.
Other names: short protein forms T1426I.
Identifiers: ClinVar variation 1739302 (VCV001739302.2), dbSNP rs145447623, ClinGen allele CA402563372.